The following is an entry in ClinVar:

ClinVar aggregate classification (germline): Uncertain significance (0 of 4 stars; one submission).

Conditions:
Prostate cancer. Also called: Malignant tumor of prostate. Identifiers: Orphanet 1331, MedGen C0376358, MONDO:0008315, HP:0012125.

Allele frequency attached by ClinVar (database versions not stated): gnomAD 0.00003; gnomAD exomes below 0.00001.
gnomAD v4.1: 2 of 1,613,252 alleles (0.00012%); highest among the groups gnomAD compares: Non-Finnish European, 0.00017%; no homozygotes.

Submission:

Science for Life laboratory,  Karolinska Institutet
Classification: Uncertain significance for Malignant tumor of prostate. Review status: no assertion criteria provided. Collection method: not provided. Allele origin: somatic.
Comment: TumorID:SWE-19
ClinVar note: Converted during submission from Unknown to Uncertain significance.

NM_001089.3(ABCA3):c.2086G>A (p.Asp696Asn)

Gene: ABCA3 (ATP binding cassette subfamily A member 3; minus strand). Cytogenetic location: 16p13.3.
Variant type: single nucleotide variant.
Coding change: c.2086G>A on transcript NM_001089.3 (MANE Select); coding-DNA position 2086, G replaced by A.
Protein change: p.Asp696Asn; replaces aspartic acid 696 with asparagine.
Molecular consequence: missense variant.
Genome position (GRCh38, 1-based): chr16:2,297,506, C>T on the plus strand (G>A on the coding strand, the complement: ABCA3 is on the minus strand). VCF-style: chr16-2297506-C-T. GRCh37 (hg19) VCF-style: chr16-2347507-C-T.
Other names: short protein forms D696N.
Identifiers: ClinVar variation 161510 (VCV000161510.2), dbSNP rs193920904, ClinGen allele CA174171.